The following is an entry in ClinVar:

NM_001386298.1(CIC):c.4301G>A (p.Gly1434Asp)

Gene: CIC (capicua transcriptional repressor; plus strand). Cytogenetic location: 19q13.2.
Variant type: single nucleotide variant.
Coding change: c.4301G>A on transcript NM_001386298.1 (MANE Select); coding-DNA position 4301, G replaced by A.
Protein change: p.Gly1434Asp; replaces glycine 1434 with aspartic acid.
Molecular consequence: missense variant.
Genome position (GRCh38, 1-based): chr19:42,290,342, G>A. VCF-style: chr19-42290342-G-A. GRCh37 (hg19) VCF-style: chr19-42794494-G-A.
Other names: c.4301G>A, p.Gly1434Asp (NM_001304815.2, NM_001379480.1, NM_001379482.1); c.1574G>A, p.Gly525Asp (NM_001379484.1, NM_001379485.1, NM_015125.5); short protein forms G1434D, G525D.
Identifiers: ClinVar variation 3492885 (VCV003492885.2).

ClinVar aggregate classification (germline): Likely benign. Review status: criteria provided, multiple submitters, no conflicts (2 of 4 stars). 2 submissions from 2 submitters: Likely benign (2). Last evaluated 2026-07-01.

Conditions:
Inborn genetic diseases. Identifiers: MedGen C0950123, MeSH D030342.

gnomAD v4.1: 16 of 1,613,946 alleles (0.00099%); highest among the groups gnomAD compares: Admixed American, 0.025%; no homozygotes.

Submissions (2):

CeGaT Center for Human Genetics Tuebingen
Classification: Likely benign. Last evaluated: 2026-07-01. Review status: criteria provided, single submitter. Criteria: CeGaT Center For Human Genetics Tuebingen Variant Classification Criteria Version 2. Collection method: clinical testing. Allele origin: germline. Affected: yes. Observed: 1 variant allele.
Comment: CIC: BP4

Ambry Genetics
Classification: Likely benign for Inborn genetic diseases. Last evaluated: 2024-11-25. Review status: criteria provided, single submitter. Criteria: Ambry Variant Classification Scheme 2023. Collection method: clinical testing. Allele origin: germline.